The following is an entry in ClinVar:

NM_002655.3(PLAG1):c.1424_1425insAGAG (p.His476fs)

Gene: PLAG1 (PLAG1 zinc finger; minus strand). Cytogenetic location: 8q12.1.
Variant type: Insertion.
Coding change: c.1424_1425insAGAG on transcript NM_002655.3 (MANE Select); coding-DNA positions 1424 to 1425, AGAG inserted.
Protein change: p.His476fs; shifts the reading frame from histidine 476.
Molecular consequence: frameshift variant.
Genome position: GRCh38 VCF-style: chr8-56166321-C-CCTCT. GRCh37 (hg19) VCF-style: chr8-57078880-C-CCTCT.
Other names: c.1424_1425insAGAG, p.His476fs (NM_001114634.2); c.1178_1179insAGAG, p.His394fs (NM_001114635.2); short protein forms H394fs, H476fs.
Identifiers: ClinVar variation 3774012 (VCV003774012.1).

ClinVar aggregate classification (germline): Uncertain significance (1 of 4 stars; one submission).

Submission:

GeneDx
Classification: Uncertain significance. Last evaluated: 2024-09-18. Review status: criteria provided, single submitter. Criteria: GeneDx Variant Classification Process June 2021. Collection method: clinical testing. Allele origin: germline. Affected: yes.
Comment: Frameshift variant predicted to result in abnormal protein length as the last 25 amino acid(s) are replaced with 57 different amino acid(s); Not observed at significant frequency in large population cohorts (gnomAD); Has not been previously published as pathogenic or benign to our knowledge